The following is an entry in ClinVar:

NM_032387.5(WNK4):c.1699dup (p.Gln567fs)

Gene: WNK4 (WNK lysine deficient protein kinase 4; plus strand). Cytogenetic location: 17q21.2.
Variant type: Duplication.
Coding change: c.1699dup on transcript NM_032387.5 (MANE Select); coding-DNA position 1699, one base duplicated (C; older notation c.1699dupC).
Protein change: p.Gln567fs; shifts the reading frame from glutamine 567.
Molecular consequence: frameshift variant.
Genome position (GRCh38, 1-based): chr17:42,787,500, C duplicated; the last of 2 consecutive C bases (chr17:42,787,499-42,787,500); duplicating either gives the same sequence. VCF-style (leftmost placement, unchanged base first): chr17-42787498-A-AC. GRCh37 (hg19) VCF-style: chr17-40939516-A-AC.
Other names: c.691dup, p.Gln231fs (NM_001321299.2); short protein forms Q567fs, Q231fs.
Identifiers: ClinVar variation 4733732 (VCV004733732.1).

ClinVar aggregate classification (germline): Uncertain significance (1 of 4 stars; one submission).

Submission:

Labcorp Genetics (formerly Invitae), Labcorp
Classification: Uncertain significance. Last evaluated: 2025-12-31. Review status: criteria provided, single submitter. Criteria: Invitae Variant Classification Sherloc (09022015). Collection method: clinical testing. Allele origin: germline.
Comment: This sequence change creates a premature translational stop signal (p.Gln567Profs*20) in the WNK4 gene. It is expected to result in an absent or disrupted protein product. However, the current clinical and genetic evidence is not sufficient to establish whether loss-of-function variants in WNK4 cause disease. This variant is not present in population databases (gnomAD no frequency). This variant has not been reported in the literature in individuals affected with WNK4-related conditions. In summary, the available evidence is currently insufficient to determine the role of this variant in disease. Therefore, it has been classified as a Variant of Uncertain Significance.